The following is an entry in ClinVar:

NM_144999.4(LRRC45):c.1997T>C (p.Leu666Pro)

Gene: LRRC45 (leucine rich repeat containing 45; plus strand). Cytogenetic location: 17q25.3.
Variant type: single nucleotide variant.
Coding change: c.1997T>C on transcript NM_144999.4 (MANE Select); coding-DNA position 1997, T replaced by C.
Protein change: p.Leu666Pro; replaces leucine 666 with proline.
Molecular consequence: missense variant.
Genome position (GRCh38, 1-based): chr17:82,030,789, T>C. VCF-style: chr17-82030789-T-C. GRCh37 (hg19) VCF-style: chr17-79988665-T-C.
Other names: short protein forms L666P.
Identifiers: ClinVar variation 4983253 (VCV004983253.1).

ClinVar aggregate classification (germline): Uncertain significance (1 of 4 stars; one submission).

Conditions:
LRRC45-related disorder. Also called: LRRC45-related condition.

gnomAD v4.1: 3 of 1,385,426 alleles (0.00022%); highest among the groups gnomAD compares: African/African-American, 0.0015%; no homozygotes.

Submission:

PreventionGenetics, part of Exact Sciences
Classification: Uncertain significance for LRRC45-related condition. Last evaluated: 2026-08-13. Review status: criteria provided, single submitter. Criteria: ACMG Guidelines, 2015. Collection method: clinical testing. Allele origin: germline.
Comment: The LRRC45 c.1997T>C variant is predicted to result in the amino acid substitution p.Leu666Pro. To our knowledge, this variant has not been reported in the literature or in a large population database (gnomAD), indicating this variant is rare. At this time, the clinical significance of this variant is uncertain due to the absence of conclusive functional and genetic evidence.